The following is an entry in ClinVar:

ClinVar aggregate classification (germline): Likely benign (1 of 4 stars; one submission).

gnomAD v4.1: 1 of 1,600,810 alleles (0.000062%); highest among the groups gnomAD compares: Non-Finnish European, 0.000085%; no homozygotes.

Submission:

CeGaT Center for Human Genetics Tuebingen
Classification: Likely benign. Last evaluated: 2025-09-01. Review status: criteria provided, single submitter. Criteria: CeGaT Center For Human Genetics Tuebingen Variant Classification Criteria Version 2. Collection method: clinical testing. Allele origin: germline. Affected: yes. Observed: 1 variant allele.
Comment: COL6A2: BP4, BP7

NM_058174.3(COL6A2):c.2724G>A (p.Val908=)

Gene: COL6A2 (collagen type VI alpha 2 chain; plus strand). Cytogenetic location: 21q22.3.
Variant type: single nucleotide variant.
Coding change: c.2724G>A on transcript NM_058174.3 (MANE Plus Clinical); coding-DNA position 2724, G replaced by A.
Protein change: p.Val908=; no amino-acid change (valine 908 retained).
Molecular consequence: synonymous variant. On other transcripts: 3 prime UTR variant (1), intron variant (1).
Genome position (GRCh38, 1-based): chr21:46,129,458, G>A. VCF-style: chr21-46129458-G-A. GRCh37 (hg19) VCF-style: chr21-47549372-G-A.
Other names: c.*530G>A (NM_058175.3); c.2462-2496G>A (NM_001849.4).
Identifiers: ClinVar variation 4084271 (VCV004084271.8).